The following is an entry in ClinVar:

ClinVar aggregate classification (germline): Uncertain significance (1 of 4 stars; one submission).

Submission:

Labcorp Genetics (formerly Invitae), Labcorp
Classification: Uncertain significance. Last evaluated: 2024-05-25. Review status: criteria provided, single submitter. Criteria: Invitae Variant Classification Sherloc (09022015). Collection method: clinical testing. Allele origin: germline.
Comment: This sequence change replaces serine, which is neutral and polar, with tyrosine, which is neutral and polar, at codon 364 of the RORB protein (p.Ser364Tyr). This variant is not present in population databases (gnomAD no frequency). This variant has not been reported in the literature in individuals affected with RORB-related conditions. An algorithm developed to predict the effect of missense changes on protein structure and function (PolyPhen-2) suggests that this variant is likely to be disruptive. In summary, the available evidence is currently insufficient to determine the role of this variant in disease. Therefore, it has been classified as a Variant of Uncertain Significance.

NM_006914.4(RORB):c.1091C>A (p.Ser364Tyr)

Gene: RORB (RAR related orphan receptor B; plus strand). Cytogenetic location: 9q21.13.
Variant type: single nucleotide variant.
Coding change: c.1091C>A on transcript NM_006914.4 (MANE Select); coding-DNA position 1091, C replaced by A.
Protein change: p.Ser364Tyr; replaces serine 364 with tyrosine.
Molecular consequence: missense variant.
Genome position (GRCh38, 1-based): chr9:74,667,881, C>A. VCF-style: chr9-74667881-C-A. GRCh37 (hg19) VCF-style: chr9-77282797-C-A.
Other names: c.1124C>A, p.Ser375Tyr (NM_001365023.1); short protein forms S364Y, S375Y.
Identifiers: ClinVar variation 3641412 (VCV003641412.2).